The following is an entry in ClinVar:

ClinVar aggregate classification (germline): Conflicting classifications of pathogenicity. Review status: criteria provided, conflicting classifications (1 of 4 stars). 2 submissions from 2 submitters: Uncertain significance (1); Likely benign (1). Last evaluated 2023-10-21.

Conditions:
Duchenne muscular dystrophy (DMD). Also called: MUSCULAR DYSTROPHY, PSEUDOHYPERTROPHIC PROGRESSIVE, DUCHENNE TYPE; Duchenne Muscular Dystrophy (DMD). Identifiers: Orphanet 98896, MedGen C0013264, MONDO:0010679, OMIM 310200.

Allele frequency attached by ClinVar (database versions not stated): TOPMed 0.00002.

Submissions (2):

Athena Diagnostics
Classification: Uncertain significance. Last evaluated: 2023-10-21. Review status: criteria provided, single submitter. Criteria: Athena Diagnostics Criteria. Collection method: clinical testing. Allele origin: unknown.
Comment: Available data are insufficient to determine the clinical significance of the variant at this time. The frequency of this variant in the general population is uninformative in assessment of its pathogenicity. This variant has been seen where an alternate explanation for disease was also identified, suggesting this variant may not cause disease. Computational tools disagree on the variant's effect on normal protein function. According to published research, less than 2% of dystrophin-related disease is due to missense mutation (Flanigan, et al. 2009. Hum Mutat 30: 1657-66. PMID: 19937601).

Labcorp Genetics (formerly Invitae), Labcorp
Classification: Likely benign for Duchenne muscular dystrophy. Last evaluated: 2023-05-31. Review status: criteria provided, single submitter. Criteria: Invitae Variant Classification Sherloc (09022015). Collection method: clinical testing. Allele origin: germline.

NM_004006.3(DMD):c.5950G>A (p.Val1984Met)

Gene: DMD (dystrophin; minus strand). Cytogenetic location: Xp21.1.
Variant type: single nucleotide variant.
Coding change: c.5950G>A on transcript NM_004006.3 (MANE Select); coding-DNA position 5950, G replaced by A.
Protein change: p.Val1984Met; replaces valine 1984 with methionine.
Molecular consequence: missense variant.
Genome position (GRCh38, 1-based): chrX:32,310,249, C>T on the plus strand (G>A on the coding strand, the complement: DMD is on the minus strand). VCF-style: chrX-32310249-C-T. GRCh37 (hg19) VCF-style: chrX-32328366-C-T.
Other names: c.5926G>A, p.Val1976Met (NM_000109.4); c.5938G>A, p.Val1980Met (NM_004009.3); c.5581G>A, p.Val1861Met (NM_004010.3); c.1927G>A, p.Val643Met (NM_004011.4); c.1918G>A, p.Val640Met (NM_004012.4); short protein forms V1861M, V1980M, V640M, V1976M, V1984M, V643M.
Identifiers: ClinVar variation 2727691 (VCV002727691.4), dbSNP rs994986229, ClinGen allele CA328532038.